The following is an entry in ClinVar:

ClinVar aggregate classification (germline): Pathogenic (1 of 4 stars; one submission).

Submission:

Labcorp Genetics (formerly Invitae), Labcorp
Classification: Pathogenic. Last evaluated: 2022-11-03. Review status: criteria provided, single submitter. Criteria: Invitae Variant Classification Sherloc (09022015). Collection method: clinical testing. Allele origin: unknown.
Comment: For these reasons, this variant has been classified as Pathogenic. This variant has not been reported in the literature in individuals affected with TOP3A-related conditions. This variant is a gross deletion of the genomic region encompassing exon(s) 5-13 of the TOP3A gene. This deletion is out-of-frame, and is expected to create a premature termination codon and result in an absent or disrupted protein product. Loss-of-function variants in TOP3A are known to be pathogenic (PMID: 30057030).

Literature cited by the submitters: PubMed 30057030.

NC_000017.10:g.(?_18193851)_(18208554_?)del

Gene: TOP3A (DNA topoisomerase III alpha; minus strand). Cytogenetic location: 17p11.2.
Variant type: Deletion.
Identifiers: ClinVar variation 3243159 (VCV003243159.1).